The following is an entry in ClinVar:

ClinVar aggregate classification (germline): Likely benign. Review status: criteria provided, multiple submitters, no conflicts (2 of 4 stars). 4 submissions from 4 submitters: Likely benign (4). Last evaluated 2026-06-22.

Conditions:
ZNF469-related disorder. Also called: ZNF469-related condition.
Cardiovascular phenotype. Identifiers: MedGen CN230736.

Allele frequency attached by ClinVar (database versions not stated): gnomAD exomes 0.00004 and 0.00013; TOPMed 0.00007.
gnomAD v4.1: 23 of 1,549,046 alleles (0.0015%); highest among the groups gnomAD compares: Admixed American, 0.043%; no homozygotes.

Submissions (4):

PreventionGenetics, part of Exact Sciences
Classification: Likely benign for ZNF469-related condition. Last evaluated: 2026-06-22. Review status: criteria provided, single submitter. Criteria: ACMG Guidelines, 2015. Collection method: clinical testing. Allele origin: germline.
Comment: This variant is classified as likely benign based on ACMG/AMP sequence variant interpretation guidelines (Richards et al. 2015 PMID: 25741868, with internal and published modifications).

Women's Health and Genetics/Laboratory Corporation of America, LabCorp
Classification: Likely benign. Last evaluated: 2025-12-15. Review status: criteria provided, single submitter. Criteria: LabCorp Variant Classification Summary - May 2015. Collection method: clinical testing. Allele origin: germline.

Labcorp Genetics (formerly Invitae), Labcorp
Classification: Likely benign. Last evaluated: 2025-03-25. Review status: criteria provided, single submitter. Criteria: Invitae Variant Classification Sherloc (09022015). Collection method: clinical testing. Allele origin: germline.

Ambry Genetics
Classification: Likely benign for Cardiovascular phenotype. Last evaluated: 2021-12-16. Review status: criteria provided, single submitter. Criteria: Ambry Variant Classification Scheme 2023. Collection method: clinical testing. Allele origin: germline.

NM_001367624.2(ZNF469):c.8637G>A (p.Gly2879=)

Gene: ZNF469 (zinc finger protein 469; plus strand). Cytogenetic location: 16q24.2.
Variant type: single nucleotide variant.
Coding change: c.8637G>A on transcript NM_001367624.2 (MANE Select); coding-DNA position 8637, G replaced by A.
Protein change: p.Gly2879=; no amino-acid change (glycine 2879 retained).
Molecular consequence: synonymous variant.
Genome position (GRCh38, 1-based): chr16:88,436,107, G>A. VCF-style: chr16-88436107-G-A. GRCh37 (hg19) VCF-style: chr16-88502515-G-A.
Other names: NM_001127464.1:c.8553G>A; NM_001127464.2:c.8553G>A.
Identifiers: ClinVar variation 1587030 (VCV001587030.12), dbSNP rs995287159, ClinGen allele CA286384346.